The following is an entry in ClinVar:

ClinVar aggregate classification (germline): Uncertain significance. Review status: criteria provided, multiple submitters, no conflicts (2 of 4 stars). 2 submissions from 2 submitters: Uncertain significance (2). Last evaluated 2024-04-08.

Conditions:
Multiple endocrine neoplasia, type 1 (MEN1). Also called: MEN I; WERMER SYNDROME; Endocrine adenomatosis multiple; MEN 1; MEA I. Identifiers: Orphanet 652, MedGen C0025267, MeSH D018761, MONDO:0007540, OMIM 131100.
Hereditary cancer-predisposing syndrome. Also called: Hereditary neoplastic syndrome; Tumor predisposition; Neoplastic Syndromes, Hereditary; Hereditary Cancer Syndrome. Identifiers: Orphanet 140162, MedGen C0027672, MeSH D009386, MONDO:0015356.

Submissions (2):

Labcorp Genetics (formerly Invitae), Labcorp
Classification: Uncertain significance for Multiple endocrine neoplasia, type 1. Last evaluated: 2024-04-08. Review status: criteria provided, single submitter. Criteria: Invitae Variant Classification Sherloc (09022015). Collection method: clinical testing. Allele origin: germline.
Comment: This sequence change replaces leucine, which is neutral and non-polar, with arginine, which is basic and polar, at codon 10 of the MEN1 protein (p.Leu10Arg). This variant is not present in population databases (gnomAD no frequency). This variant has not been reported in the literature in individuals affected with MEN1-related conditions. ClinVar contains an entry for this variant (Variation ID: 954849). Advanced modeling of protein sequence and biophysical properties (such as structural, functional, and spatial information, amino acid conservation, physicochemical variation, residue mobility, and thermodynamic stability) performed at Invitae indicates that this missense variant is expected to disrupt MEN1 protein function with a positive predictive value of 95%. In summary, the available evidence is currently insufficient to determine the role of this variant in disease. Therefore, it has been classified as a Variant of Uncertain Significance.

Ambry Genetics
Classification: Uncertain significance for Hereditary cancer-predisposing syndrome. Last evaluated: 2023-04-27. Review status: criteria provided, single submitter. Criteria: Ambry Variant Classification Scheme 2023. Collection method: clinical testing. Allele origin: germline.
Comment: The p.L10R variant (also known as c.29T>G), located in coding exon 1 of the MEN1 gene, results from a T to G substitution at nucleotide position 29. The leucine at codon 10 is replaced by arginine, an amino acid with dissimilar properties. This amino acid position is conserved. In addition, this alteration is predicted to be deleterious by in silico analysis. Since supporting evidence is limited at this time, the clinical significance of this alteration remains unclear.

NM_001370259.2(MEN1):c.29T>G (p.Leu10Arg)

Gene: MEN1 (menin 1; minus strand). Cytogenetic location: 11q13.1.
Variant type: single nucleotide variant.
Coding change: c.29T>G on transcript NM_001370259.2 (MANE Select); coding-DNA position 29, T replaced by G.
Protein change: p.Leu10Arg; replaces leucine 10 with arginine.
Molecular consequence: missense variant.
Genome position (GRCh38, 1-based): chr11:64,810,081, A>C on the plus strand (T>G on the coding strand, the complement: MEN1 is on the minus strand). VCF-style: chr11-64810081-A-C. GRCh37 (hg19) VCF-style: chr11-64577553-A-C.
Other names: c.29T>G, p.Leu10Arg (NM_000244.4, NM_001370251.2, NM_001370260.2 and 9 more transcripts); short protein forms L10R.
Identifiers: ClinVar variation 954849 (VCV000954849.11), dbSNP rs1942026011, ClinGen allele CA381188249.